The following is an entry in ClinVar:

NM_022455.5(NSD1):c.7636G>A (p.Ala2546Thr)

Gene: NSD1 (nuclear receptor binding SET domain protein 1; plus strand). Cytogenetic location: 5q35.3.
Variant type: single nucleotide variant.
Coding change: c.7636G>A on transcript NM_022455.5 (MANE Select); coding-DNA position 7636, G replaced by A.
Protein change: p.Ala2546Thr; replaces alanine 2546 with threonine.
Molecular consequence: missense variant.
Genome position (GRCh38, 1-based): chr5:177,295,004, G>A. VCF-style: chr5-177295004-G-A. GRCh37 (hg19) VCF-style: chr5-176722005-G-A.
Other names: c.6763G>A, p.Ala2255Thr (NM_001365684.2, NM_172349.5, NM_001409308.1); c.7636G>A, p.Ala2546Thr (NM_001409301.1, NM_001409302.1, NM_001409303.1); c.7216G>A, p.Ala2406Thr (NM_001409304.1); c.6883G>A, p.Ala2295Thr (NM_001409305.1); c.6874G>A, p.Ala2292Thr (NM_001409306.1, NM_001409307.1); c.6514G>A, p.Ala2172Thr (NM_001409309.1); short protein forms A2277T, A2172T, A2292T, A2295T, A2255T, A2406T.
Identifiers: ClinVar variation 96079 (VCV000096079.29), dbSNP rs78247455, ClinGen allele CA149218.
Genomic context (GRCh38, chr5:177,295,004, plus strand): 5'-CCCTGGCAAGCTGTTAAATCACTCACCCAGGCCAGACTTCTTTCTCAGCCTCCTGCCAAG[G>A]CCTTTTTATATGAGCCAACAACTCAGGCCTCAGGAAGAGCTTCTGCAGGGGCTGAGCAGA-3'
Protein context (NP_071900.2, residues 2536-2556): ARLLSQPPAK[Ala2546Thr]FLYEPTTQAS

ClinVar aggregate classification (germline): Benign. Review status: criteria provided, multiple submitters, no conflicts (2 of 4 stars). 11 submissions from 11 submitters: Benign (8). 3 of the submissions do not count toward it. Last evaluated 2026-02-03.

Conditions:
Sotos syndrome (SOTOS). Also called: Distinctive facial appearance, overgrowth in childhood, and learning disabilities or delayed development; SOTOS SYNDROME 1; Sotos' syndrome; CEREBRAL GIGANTISM; CHROMOSOME 5q35 DELETION SYNDROME. Identifiers: Orphanet 821, MedGen C0175695, MONDO:0019349, OMIM 117550.
Inborn genetic diseases. Identifiers: MedGen C0950123, MeSH D030342.

Allele frequency attached by ClinVar (database versions not stated): gnomAD 0.02182 and 0.02295; ExAC 0.02558; 1000 Genomes Project 0.02736; 1000 Genomes Project 30x 0.02826; TOPMed 0.02296; ESP Exome Variant Server 0.02516; gnomAD exomes 0.02551 and 0.02384.
gnomAD v4.1: 40,893 of 1,614,198 alleles (2.5%); highest among the groups gnomAD compares: South Asian, 5.4%; 674 homozygotes.

Submissions (11):

Labcorp Genetics (formerly Invitae), Labcorp
Classification: Benign. Last evaluated: 2026-02-03. Review status: criteria provided, single submitter. Criteria: Invitae Variant Classification Sherloc (09022015). Collection method: clinical testing. Allele origin: germline.

Blueprint Genetics
Classification: Benign. Last evaluated: 2024-11-26. Review status: criteria provided, single submitter. Criteria: ACMG Guidelines, 2015. Collection method: clinical testing. Allele origin: germline.

Genome-Nilou Lab
Classification: Benign for Sotos syndrome. Last evaluated: 2021-07-15. Review status: criteria provided, single submitter. Criteria: ACMG Guidelines, 2015. Collection method: clinical testing. Allele origin: germline. Affected: no.

Ambry Genetics
Classification: Benign for Inborn genetic diseases. Last evaluated: 2016-06-13. Review status: criteria provided, single submitter. Criteria: Ambry Variant Classification Scheme 2023. Collection method: clinical testing. Allele origin: germline.

GeneDx
Classification: Benign. Last evaluated: 2015-03-03. Review status: criteria provided, single submitter. Criteria: GeneDx Variant Classification Process June 2021. Collection method: clinical testing. Allele origin: germline. Affected: yes.
Comment: This variant is associated with the following publications: (PMID: 28146470)

Eurofins Ntd Llc (ga)
Classification: Benign. Last evaluated: 2013-06-10. Review status: criteria provided, single submitter. Criteria: EGL Classification Definitions 2015. Collection method: clinical testing. Allele origin: germline. Observed: 14 variant alleles, 14 heterozygotes.

Genetic Services Laboratory, University of Chicago
Classification: Benign. Last evaluated: 2013-02-08. Review status: criteria provided, single submitter. Criteria: ACMG Guidelines, 2007. Collection method: clinical testing. Allele origin: germline. Inheritance: Autosomal dominant inheritance.

PreventionGenetics, part of Exact Sciences
Classification: Benign. Review status: criteria provided, single submitter. Criteria: ACMG Guidelines, 2015. Collection method: clinical testing. Allele origin: germline.

Clinical Genetics DNA and cytogenetics Diagnostics Lab, Erasmus MC, Erasmus Medical Center
Classification: Benign. Review status: no assertion criteria provided. Collection method: clinical testing. Allele origin: germline. Affected: yes. Study: VKGL Data-share Consensus. Not counted in ClinVar's aggregate classification.

Joint Genome Diagnostic Labs from Nijmegen and Maastricht, Radboudumc and MUMC+
Classification: Benign. Review status: no assertion criteria provided. Collection method: clinical testing. Allele origin: germline. Affected: yes. Study: VKGL Data-share Consensus. Not counted in ClinVar's aggregate classification.

Laboratory of Diagnostic Genome Analysis, Leiden University Medical Center (LUMC)
Classification: Likely benign. Review status: no assertion criteria provided. Collection method: clinical testing. Allele origin: germline. Affected: yes. Study: VKGL Data-share Consensus. Not counted in ClinVar's aggregate classification.